The following is an entry in ClinVar:

NM_001205293.3(CACNA1E):c.769+1G>A

Gene: CACNA1E (calcium voltage-gated channel subunit alpha1 E; plus strand). Cytogenetic location: 1q25.3.
Variant type: single nucleotide variant.
Coding change: c.769+1G>A on transcript NM_001205293.3 (MANE Select); the canonical splice donor site of the intron after coding-DNA position 769, G replaced by A.
Molecular consequence: splice donor variant.
Genome position (GRCh38, 1-based): chr1:181,579,225, G>A. VCF-style: chr1-181579225-G-A. GRCh37 (hg19) VCF-style: chr1-181548361-G-A.
Other names: c.769+1G>A (NM_000721.4, NM_001205294.2).
Identifiers: ClinVar variation 2702480 (VCV002702480.3), dbSNP rs1651275335, ClinGen allele CA343847263.

ClinVar aggregate classification (germline): Uncertain significance (1 of 4 stars; one submission).

Allele frequency attached by ClinVar (database versions not stated): gnomAD exomes below 0.00001.

Submission:

Labcorp Genetics (formerly Invitae), Labcorp
Classification: Uncertain significance. Last evaluated: 2023-12-12. Review status: criteria provided, single submitter. Criteria: Invitae Variant Classification Sherloc (09022015). Collection method: clinical testing. Allele origin: germline.
Comment: This sequence change affects a donor splice site in intron 5 of the CACNA1E gene. It is expected to disrupt RNA splicing. Variants that disrupt the donor or acceptor splice site typically lead to a loss of protein function (PMID: 16199547), however the current clinical and genetic evidence is not sufficient to establish whether loss-of-function variants in CACNA1E cause disease. This variant is not present in population databases (gnomAD no frequency). This variant has not been reported in the literature in individuals affected with CACNA1E-related conditions. Algorithms developed to predict the effect of sequence changes on RNA splicing suggest that this variant may disrupt the consensus splice site. In summary, the available evidence is currently insufficient to determine the role of this variant in disease. Therefore, it has been classified as a Variant of Uncertain Significance.

Literature cited by the submitters: PubMed 16199547.